The following is an entry in ClinVar:

ClinVar aggregate classification (germline): Benign (0 of 4 stars; one submission).

Conditions:
GRIA4-related disorder. Also called: GRIA4-related condition.

Allele frequency attached by ClinVar (database versions not stated): 1000 Genomes Project 0.03514; gnomAD exomes 0.07504; gnomAD 0.05691; ESP Exome Variant Server 0.06014; ExAC 0.06961; 1000 Genomes Project 30x 0.03482; TOPMed 0.05072.
gnomAD v4.1: 116,181 of 1,587,526 alleles (7.3%); highest among the groups gnomAD compares: Non-Finnish European, 8.1%; 4,817 homozygotes.

Submission:

PreventionGenetics, part of Exact Sciences
Classification: Benign for GRIA4-related condition. Last evaluated: 2019-12-09. Review status: no assertion criteria provided. Collection method: clinical testing. Allele origin: germline.
Comment: This variant is classified as benign based on ACMG/AMP sequence variant interpretation guidelines (Richards et al. 2015 PMID: 25741868, with internal and published modifications).

NM_000829.4(GRIA4):c.886-7T>C

Gene: GRIA4 (glutamate ionotropic receptor AMPA type subunit 4; plus strand). Cytogenetic location: 11q22.3.
Variant type: single nucleotide variant.
Coding change: c.886-7T>C on transcript NM_000829.4 (MANE Select); 7 bases into the intron before coding-DNA position 886, T replaced by C.
Molecular consequence: intron variant.
Genome position (GRCh38, 1-based): chr11:105,903,807, T>C. VCF-style: chr11-105903807-T-C. GRCh37 (hg19) VCF-style: chr11-105774533-T-C.
Other names: c.886-7T>C (NM_001077243.3, NM_001077244.2, NM_001112812.2).
Identifiers: ClinVar variation 3055393 (VCV003055393.2), dbSNP rs61751525, ClinGen allele CA6258526.